The following is an entry in ClinVar:

NM_001378454.1(ALMS1):c.3325C>A (p.Gln1109Lys)

Gene: ALMS1 (ALMS1 centrosome and basal body associated protein; plus strand). Cytogenetic location: 2p13.1.
Variant type: single nucleotide variant.
Coding change: c.3325C>A on transcript NM_001378454.1 (MANE Select); coding-DNA position 3325, C replaced by A.
Protein change: p.Gln1109Lys; replaces glutamine 1109 with lysine.
Molecular consequence: missense variant.
Genome position (GRCh38, 1-based): chr2:73,449,852, C>A. VCF-style: chr2-73449852-C-A. GRCh37 (hg19) VCF-style: chr2-73676979-C-A.
Other names: c.3328C>A, p.Gln1110Lys (NM_015120.4); short protein forms Q1110K, Q1109K.
Identifiers: ClinVar variation 929991 (VCV000929991.4), dbSNP rs1671890891, ClinGen allele CA347275099.

ClinVar aggregate classification (germline): Uncertain significance (1 of 4 stars; one submission).

Submission:

Laboratory for Molecular Medicine, Mass General Brigham Personalized Medicine
Classification: Uncertain significance. Last evaluated: 2019-05-22. Review status: criteria provided, single submitter. Criteria: LMM Criteria. Collection method: clinical testing. Allele origin: germline. Observed: 1 variant allele.
Comment: The p.Gln1110Lys variant in ALMS1 has not been previously reported in individuals with hearing loss or Alstrom syndrome and was absent from large population studies. Computational prediction tools and conservation analysis suggest that this variant may not impact the protein, though this information is not predictive enough to rule out pathogenicity. In summary, the clinical significance of this variant is uncertain. ACMG/AMP Criteria applied: PM2, BP4